The following is an entry in ClinVar:

NM_024675.4(PALB2):c.1094G>A (p.Arg365Lys)

Gene: PALB2 (partner and localizer of BRCA2; minus strand). Cytogenetic location: 16p12.2.
Variant type: single nucleotide variant.
Coding change: c.1094G>A on transcript NM_024675.4 (MANE Select); coding-DNA position 1094, G replaced by A.
Protein change: p.Arg365Lys; replaces arginine 365 with lysine.
Molecular consequence: missense variant. On other transcripts: intron variant (3).
Genome position (GRCh38, 1-based): chr16:23,635,452, C>T on the plus strand (G>A on the coding strand, the complement: PALB2 is on the minus strand). VCF-style: chr16-23635452-C-T. GRCh37 (hg19) VCF-style: chr16-23646773-C-T.
Other names: c.1034G>A, p.Arg345Lys (NM_001407296.1); c.1094G>A, p.Arg365Lys (NM_001407297.1, NM_001407298.1, NM_001407299.1 and 3 more transcripts); c.209G>A, p.Arg70Lys (NM_001407304.1, NM_001407305.1, NM_001407306.1 and 5 more transcripts); c.48+5658G>A (NM_001407314.1); c.-104-4983G>A (NM_001407313.1, NM_001407312.1); short protein forms R345K, R365K, R70K.
Identifiers: ClinVar variation 3667399 (VCV003667399.2).
Genomic context (GRCh38, chr16:23,635,452, plus strand): 5'-GCTTCCAGGCTAAGACTCTTAGGTTGACTTAGAATCTCACTTTCCTGAAGATTTTCATTC[C>T]TGCCATCAAGAGTGTCACTGGGAGATTTTAAAGATTTCTCTGTTTGATTTTGTTCTTTTA-3'
Protein context (NP_078951.2, residues 355-375): LKSPSDTLDG[Arg365Lys]NENLQESEIL

ClinVar aggregate classification (germline): Uncertain significance (1 of 4 stars; one submission).

Conditions:
Familial cancer of breast. Also called: hereditary breast carcinoma; Hereditary breast cancer; BREAST CANCER, FAMILIAL. Identifiers: Orphanet 227535, MedGen C0346153, MONDO:0016419, OMIM 114480. Disease mechanism: loss of function.

Submission:

Labcorp Genetics (formerly Invitae), Labcorp
Classification: Uncertain significance for Familial cancer of breast. Last evaluated: 2024-10-07. Review status: criteria provided, single submitter. Criteria: Invitae Variant Classification Sherloc (09022015). Collection method: clinical testing. Allele origin: germline.
Comment: This sequence change replaces arginine, which is basic and polar, with lysine, which is basic and polar, at codon 365 of the PALB2 protein (p.Arg365Lys). This variant is not present in population databases (gnomAD no frequency). This variant has not been reported in the literature in individuals affected with PALB2-related conditions. Invitae Evidence Modeling of protein sequence and biophysical properties (such as structural, functional, and spatial information, amino acid conservation, physicochemical variation, residue mobility, and thermodynamic stability) indicates that this missense variant is not expected to disrupt PALB2 protein function with a negative predictive value of 80%. In summary, the available evidence is currently insufficient to determine the role of this variant in disease. Therefore, it has been classified as a Variant of Uncertain Significance.